The following is an entry in ClinVar:

ClinVar aggregate classification (germline): Uncertain significance (1 of 4 stars; one submission).

Submission:

GeneDx
Classification: Uncertain significance. Last evaluated: 2024-03-07. Review status: criteria provided, single submitter. Criteria: GeneDx Variant Classification Process June 2021. Collection method: clinical testing. Allele origin: germline. Affected: yes.
Comment: Not observed at significant frequency in large population cohorts (gnomAD); In silico analysis supports that this missense variant does not alter protein structure/function; Has not been previously published as pathogenic or benign to our knowledge

NM_015335.5(MED13L):c.14C>G (p.Ala5Gly)

Gene: MED13L (mediator complex subunit 13L; minus strand). Cytogenetic location: 12q24.21.
Variant type: single nucleotide variant.
Coding change: c.14C>G on transcript NM_015335.5 (MANE Select); coding-DNA position 14, C replaced by G.
Protein change: p.Ala5Gly; replaces alanine 5 with glycine.
Molecular consequence: missense variant.
Genome position (GRCh38, 1-based): chr12:116,277,118, G>C on the plus strand (C>G on the coding strand, the complement: MED13L is on the minus strand). VCF-style: chr12-116277118-G-C. GRCh37 (hg19) VCF-style: chr12-116714923-G-C.
Other names: short protein forms A5G.
Identifiers: ClinVar variation 3370746 (VCV003370746.1).
Genomic context (GRCh38, chr12:116,277,118, plus strand): 5'-ACCAGCGAAAAGAGGTTGGAGTGACAATCCTCCAGGCTCGCCCCGTTCGCCACCCAGTTC[G>C]CTGCCGCAGTCATGATCCTCCGCGAGCCCGGCCGCCAGAGCGGGGCATGTCGGAGCGAGG-3'
Protein context (NP_056150.1, residues 1-15): MTAA[Ala5Gly]NWVANGASLE